The following is an entry in ClinVar:

ClinVar aggregate classification (germline): Uncertain significance. Review status: criteria provided, multiple submitters, no conflicts (2 of 4 stars). 2 submissions from 2 submitters: Uncertain significance (2). Last evaluated 2023-08-01.

Conditions:
Methylmalonic acidemia due to transcobalamin receptor defect (MATR). Also called: METHYLMALONIC ACIDURIA, TRANSIENT, DUE TO TRANSCOBALAMIN RECEPTOR DEFECT; METHYLMALONIC ACIDEMIA, TCblR TYPE. Identifiers: Orphanet 280183, MedGen C4749905, MONDO:0013341, OMIM 613646.

Allele frequency attached by ClinVar (database versions not stated): TOPMed 0.00004; gnomAD 0.00015.
gnomAD v4.1: 108 of 1,602,444 alleles (0.0067%); highest among the groups gnomAD compares: Non-Finnish European, 0.0029%; no homozygotes.

Submissions (2):

Labcorp Genetics (formerly Invitae), Labcorp
Classification: Uncertain significance for Methylmalonic acidemia due to transcobalamin receptor defect. Last evaluated: 2023-08-01. Review status: criteria provided, single submitter. Criteria: Invitae Variant Classification Sherloc (09022015). Collection method: clinical testing. Allele origin: germline.
Comment: This sequence change replaces aspartic acid, which is acidic and polar, with asparagine, which is neutral and polar, at codon 143 of the CD320 protein (p.Asp143Asn). This variant is present in population databases (rs767324816, gnomAD 0.1%), and has an allele count higher than expected for a pathogenic variant. This variant has not been reported in the literature in individuals affected with CD320-related conditions. An algorithm developed to predict the effect of missense changes on protein structure and function (PolyPhen-2) suggests that this variant is likely to be tolerated. In summary, the available evidence is currently insufficient to determine the role of this variant in disease. Therefore, it has been classified as a Variant of Uncertain Significance.

Ambry Genetics
Classification: Uncertain significance. Last evaluated: 2023-03-14. Review status: criteria provided, single submitter. Criteria: Ambry Variant Classification Scheme 2023. Collection method: clinical testing. Allele origin: germline.

NM_016579.4(CD320):c.427G>A (p.Asp143Asn)

Gene: CD320 (CD320 molecule; minus strand). Cytogenetic location: 19p13.2.
Variant type: single nucleotide variant.
Coding change: c.427G>A on transcript NM_016579.4 (MANE Select); coding-DNA position 427, G replaced by A.
Protein change: p.Asp143Asn; replaces aspartic acid 143 with asparagine.
Molecular consequence: missense variant.
Genome position (GRCh38, 1-based): chr19:8,303,930, C>T on the plus strand (G>A on the coding strand, the complement: CD320 is on the minus strand). VCF-style: chr19-8303930-C-T. GRCh37 (hg19) VCF-style: chr19-8368814-C-T.
Other names: c.301G>A, p.Asp101Asn (NM_001165895.2); c.427G>A (NM_016579.3); short protein forms D143N, D101N.
Identifiers: ClinVar variation 2999916 (VCV002999916.4), dbSNP rs767324816, ClinGen allele CA9154741.